The following is an entry in ClinVar:

ClinVar aggregate classification (germline): Uncertain significance. Review status: criteria provided, multiple submitters, no conflicts (2 of 4 stars). 2 submissions from 2 submitters: Uncertain significance (2). Last evaluated 2023-07-17.

Conditions:
Atrial septal defect 3 (ASD3). Identifiers: Orphanet 1478, MedGen C3279790, MONDO:0013567, OMIM 614089.

Submissions (2):

Victorian Clinical Genetics Services, Murdoch Childrens Research Institute
Classification: Uncertain significance for Atrial septal defect 3. Last evaluated: 2023-07-17. Review status: criteria provided, single submitter. Criteria: ACMG Guidelines, 2015. Collection method: clinical testing. Allele origin: germline. Inheritance: Autosomal dominant inheritance.
Comment: Based on the classification scheme VCGS_Germline_v1.3.4, this variant is classified as VUS-3B. Following criteria are met: 0105 - The mechanism of disease for this gene is not clearly established. Gain-of-function is the suggested mechanism (PMID: 22194935). (I) 0107 - This gene is associated with autosomal dominant disease. (I) 0112 - The condition associated with this gene has incomplete penetrance (PMID: 22194935). (I) 0115 - Variants in this gene are known to have variable expressivity. Intra-familial variability has been reported (PMID: 22194935). (I) 0201 - Variant is predicted to cause nonsense-mediated decay (NMD) and loss of protein (premature termination codon is located at least 54 nucleotides upstream of the final exon-exon junction). (SP) 0251 - This variant is heterozygous. (I) 0301 - Variant is absent from gnomAD (both v2 and v3). (SP) 0705 - No comparable NMD-predicted variants have previous evidence for pathogenicity. Although some NMD-predicted variants have been classified as pathogenic or likely pathogenic in ClinVar, little evidence is provided. One has been classified as such for hypertrophic cardiomyopathy however, the gene-disease association for this is limited (ClinVar; ClinGen). (I) 0809 - Previous evidence of pathogenicity for this variant is inconclusive. It has been reported as a VUS in two individuals by a diagnostic laboratory in ClinVar. (I) 0905 - No published segregation evidence has been identified for this variant. (I) 1007 - No published functional evidence has been identified for this variant. (I) Legend: (SP) - Supporting pathogenic, (I) - Information, (SB) - Supporting benign

AiLife Diagnostics
Classification: Uncertain significance. Last evaluated: 2022-01-05. Review status: criteria provided, single submitter. Criteria: ACMG Guidelines, 2015. Collection method: clinical testing. Allele origin: germline. Affected: yes. Observed: 2 variant alleles.

Literature cited by the submitters: PubMed 22194935 (cited by Victorian Clinical Genetics Services, Murdoch Childrens Research Institute).

NM_002471.4(MYH6):c.5513_5525del (p.Glu1837_Ser1838insTer)

Gene: MYH6 (myosin heavy chain 6; minus strand). Cytogenetic location: 14q11.2.
Variant type: Deletion.
Coding change: c.5513_5525del on transcript NM_002471.4 (MANE Select); coding-DNA positions 5513 to 5525, 13 bases deleted (CGGTGAAGGGCAT).
Protein change: p.Glu1837_Ser1838insTer.
Molecular consequence: nonsense.
Genome position (GRCh38, 1-based): chr14:23,384,482-23,384,494, ATGCCCTTCACCG deleted on the plus strand (CGGTGAAGGGCAT on the coding strand, the reverse complement: MYH6 is on the minus strand); deleting any 13 consecutive bases within chr14:23,384,482-23,384,495 gives the same sequence; the c. name uses the placement nearest the transcript's 3' end. VCF-style (leftmost placement, unchanged base first): chr14-23384481-CATGCCCTTCACCG-C. GRCh37 (hg19) VCF-style: chr14-23853690-CATGCCCTTCACCG-C.
Other names: c.5513_5525del (NM_002471.3).
Identifiers: ClinVar variation 1677461 (VCV001677461.2), dbSNP rs781119192, ClinGen allele CA7114409.